The following is an entry in ClinVar:

NM_004700.4(KCNQ4):c.1664C>T (p.Pro555Leu)

Gene: KCNQ4 (potassium voltage-gated channel subfamily Q member 4; plus strand). Cytogenetic location: 1p34.2.
Variant type: single nucleotide variant.
Coding change: c.1664C>T on transcript NM_004700.4 (MANE Select); coding-DNA position 1664, C replaced by T.
Protein change: p.Pro555Leu; replaces proline 555 with leucine.
Molecular consequence: missense variant.
Genome position (GRCh38, 1-based): chr1:40,835,017, C>T. VCF-style: chr1-40835017-C-T. GRCh37 (hg19) VCF-style: chr1-41300689-C-T.
Other names: DFNA2A; c.1502C>T, p.Pro501Leu (NM_172163.3); short protein forms P501L, P555L.
Identifiers: ClinVar variation 1050307 (VCV001050307.2), dbSNP rs764622728, ClinGen allele CA794966.

ClinVar aggregate classification (germline): Uncertain significance. Review status: criteria provided, single submitter (1 of 4 stars). 2 submissions from 2 submitters: Uncertain significance (1). 1 of the submissions does not count toward it. Last evaluated 2024-12-25.

Conditions:
Autosomal dominant nonsyndromic hearing loss 2A. Also called: Deafness, autosomal dominant 2A; Autosomal dominant nonsyndromic deafness 2A; DFNA2 Nonsyndromic Hearing Loss. Identifiers: Orphanet 90635, MedGen C2677637, MONDO:0010817, OMIM 600101.

Allele frequency attached by ClinVar (database versions not stated): gnomAD exomes 0.00001 and 0.00002; ExAC 0.00002; TOPMed 0.00002; gnomAD 0.00001.
gnomAD v4.1: 18 of 1,613,974 alleles (0.0011%); highest among the groups gnomAD compares: Admixed American, 0.0033%; no homozygotes.

Submissions (2):

Laboratory of Prof. Karen Avraham, Tel Aviv University
Classification: Uncertain significance for Autosomal dominant nonsyndromic hearing loss 2A. Last evaluated: 2024-12-25. Review status: criteria provided, single submitter. Criteria: ACMG Guidelines, 2015. Collection method: research. Allele origin: germline. Affected: yes. Observed: 1 variant allele.
Comment: The KCNQ4 c.1664C>T:p.(Pro555Leu) heterozygous variant is extremely rare and predicted deleterious.

Department of Pathology and Laboratory Medicine, Sinai Health System
Classification: Uncertain significance. Review status: no assertion criteria provided. Collection method: clinical testing. Allele origin: unknown. Affected: yes. Study: The Canadian Open Genetics Repository (COGR). Not counted in ClinVar's aggregate classification.
Comment: The KCNQ4 p.Pro555Leu variant was not identified in the literature nor was it identified in ClinVar or LOVD 3.0. The variant was identified in dbSNP (ID: rs764622728) and in control databases in 4 of 251448 chromosomes at a frequency of 0.00001591 (Genome Aggregation Database March 6, 2019, v2.1.1). The variant was observed in the following populations: African in 1 of 16256 chromosomes (freq: 0.000062) and European (non-Finnish) in 3 of 113730 chromosomes (freq: 0.000026), but was not observed in the Latino, Ashkenazi Jewish, East Asian, European (Finnish), Other, or South Asian populations. The p.Pro555 residue is conserved across mammals and other organisms, and four out of five computational analyses (PolyPhen-2, SIFT, AlignGVGD, BLOSUM, MutationTaster) suggest that the variant may impact the protein; however, this information is not predictive enough to assume pathogenicity. The variant occurs outside of the splicing consensus sequence and 1 of 4 in silico or computational prediction software programs (SpliceSiteFinder, MaxEntScan, NNSPLICE, GeneSplicer) predict a greater than 10% difference in splicing; this is not very predictive of pathogenicity. In summary, based on the above information the clinical significance of this variant cannot be determined with certainty at this time. This variant is classified as a variant of uncertain significance.